The following is an entry in ClinVar:

ClinVar aggregate classification (germline): Uncertain significance (1 of 4 stars; one submission).

Conditions:
Cystic fibrosis (CF). Also called: MUCOVISCIDOSIS. Identifiers: Orphanet 586, MedGen C0010674, MONDO:0009061, OMIM 219700. Disease mechanism: loss of function.

Allele frequency attached by ClinVar (database versions not stated): gnomAD exomes 0.00001.
gnomAD v4.1: 4 of 1,611,186 alleles (0.00025%); highest among the groups gnomAD compares: South Asian, 0.0011%; no homozygotes.

Submission:

Ambry Genetics
Classification: Uncertain significance for Cystic fibrosis. Last evaluated: 2023-03-29. Review status: criteria provided, single submitter. Criteria: Ambry Variant Classification Scheme 2023. Collection method: clinical testing. Allele origin: germline.
Comment: The p.P41R variant (also known as c.122C>G), located in coding exon 2 of the CFTR gene, results from a C to G substitution at nucleotide position 122. The proline at codon 41 is replaced by arginine, an amino acid with dissimilar properties. This amino acid position is conserved. In addition, this alteration is predicted to be tolerated by in silico analysis. Since supporting evidence is limited at this time, the clinical significance of this alteration remains unclear.

NM_000492.4(CFTR):c.122C>G (p.Pro41Arg)

Gene: CFTR (CF transmembrane conductance regulator; plus strand). Cytogenetic location: 7q31.2.
Variant type: single nucleotide variant.
Coding change: c.122C>G on transcript NM_000492.4 (MANE Select); coding-DNA position 122, C replaced by G.
Protein change: p.Pro41Arg; replaces proline 41 with arginine.
Molecular consequence: missense variant.
Genome position (GRCh38, 1-based): chr7:117,504,321, C>G. VCF-style: chr7-117504321-C-G. GRCh37 (hg19) VCF-style: chr7-117144375-C-G.
Other names: short protein forms P41R.
Identifiers: ClinVar variation 2567869 (VCV002567869.2), dbSNP rs2484968302, ClinGen allele CA368987287.